The following is an entry in ClinVar:

ClinVar aggregate classification (germline): Uncertain significance (1 of 4 stars; one submission).

Conditions:
Nephronophthisis 15 (NPHP15). Identifiers: Orphanet 3156, MedGen C3541853, MONDO:0013917, OMIM 614845.

Allele frequency attached by ClinVar (database versions not stated): gnomAD exomes below 0.00001.

Submission:

Labcorp Genetics (formerly Invitae), Labcorp
Classification: Uncertain significance for Nephronophthisis 15. Last evaluated: 2024-01-04. Review status: criteria provided, single submitter. Criteria: Invitae Variant Classification Sherloc (09022015). Collection method: clinical testing. Allele origin: germline.
Comment: This sequence change replaces glutamic acid, which is acidic and polar, with alanine, which is neutral and non-polar, at codon 557 of the CEP164 protein (p.Glu557Ala). This variant is not present in population databases (gnomAD no frequency). This variant has not been reported in the literature in individuals affected with CEP164-related conditions. An algorithm developed to predict the effect of missense changes on protein structure and function (PolyPhen-2) suggests that this variant is likely to be disruptive. In summary, the available evidence is currently insufficient to determine the role of this variant in disease. Therefore, it has been classified as a Variant of Uncertain Significance.

NM_014956.5(CEP164):c.1670A>C (p.Glu557Ala)

Gene: CEP164 (centrosomal protein 164; plus strand). Cytogenetic location: 11q23.3.
Variant type: single nucleotide variant.
Coding change: c.1670A>C on transcript NM_014956.5 (MANE Select); coding-DNA position 1670, A replaced by C.
Protein change: p.Glu557Ala; replaces glutamic acid 557 with alanine.
Molecular consequence: missense variant.
Genome position (GRCh38, 1-based): chr11:117,382,888, A>C. VCF-style: chr11-117382888-A-C. GRCh37 (hg19) VCF-style: chr11-117253604-A-C.
Other names: c.1679A>C, p.Glu560Ala (NM_001271933.2); short protein forms E557A, E560A.
Identifiers: ClinVar variation 2720460 (VCV002720460.3), dbSNP rs2136166689, ClinGen allele CA382713784.